The following is an entry in ClinVar:

ClinVar aggregate classification (germline): Likely benign. Review status: criteria provided, single submitter (1 of 4 stars). 2 submissions from 2 submitters: Likely benign (1). 1 of the submissions does not count toward it. Last evaluated 2025-03-13.

Conditions:
Maple syrup urine disease (MSUD). Identifiers: Orphanet 511, MedGen C0024776, MeSH D008375, MONDO:0009563. Disease mechanism: loss of function.
DBT-related disorder. Also called: DBT-related condition.

Allele frequency attached by ClinVar (database versions not stated): gnomAD exomes 0.00001; ExAC 0.00005; gnomAD 0.00011; TOPMed 0.00019; ESP Exome Variant Server 0.00023.
gnomAD v4.1: 33 of 1,606,480 alleles (0.0021%); highest among the groups gnomAD compares: African/African-American, 0.039%; no homozygotes.

Submissions (2):

Labcorp Genetics (formerly Invitae), Labcorp
Classification: Likely benign for Maple syrup urine disease. Last evaluated: 2025-03-13. Review status: criteria provided, single submitter. Criteria: Invitae Variant Classification Sherloc (09022015). Collection method: clinical testing. Allele origin: germline.

PreventionGenetics, part of Exact Sciences
Classification: Likely benign for DBT-related condition. Last evaluated: 2019-11-25. Review status: no assertion criteria provided. Collection method: clinical testing. Allele origin: germline. Not counted in ClinVar's aggregate classification.
Comment: This variant is classified as likely benign based on ACMG/AMP sequence variant interpretation guidelines (Richards et al. 2015 PMID: 25741868, with internal and published modifications).

NM_001918.5(DBT):c.318T>G (p.Ala106=)

Gene: DBT (dihydrolipoamide branched chain transacylase E2; minus strand). Cytogenetic location: 1p21.2.
Variant type: single nucleotide variant.
Coding change: c.318T>G on transcript NM_001918.5 (MANE Select); coding-DNA position 318, T replaced by G.
Protein change: p.Ala106=; no amino-acid change (alanine 106 retained).
Molecular consequence: synonymous variant.
Genome position (GRCh38, 1-based): chr1:100,230,848, A>C on the plus strand (T>G on the coding strand, the complement: DBT is on the minus strand). VCF-style: chr1-100230848-A-C. GRCh37 (hg19) VCF-style: chr1-100696404-A-C.
Identifiers: ClinVar variation 748203 (VCV000748203.10), dbSNP rs146259768, ClinGen allele CA969779.